The following is an entry in ClinVar:

ClinVar aggregate classification (germline): Pathogenic (1 of 4 stars; one submission).

Submission:

Labcorp Genetics (formerly Invitae), Labcorp
Classification: Pathogenic. Last evaluated: 2024-05-19. Review status: criteria provided, single submitter. Criteria: Invitae Variant Classification Sherloc (09022015). Collection method: clinical testing. Allele origin: germline.
Comment: This sequence change creates a premature translational stop signal (p.Gly458Alafs*3) in the LZTR1 gene. It is expected to result in an absent or disrupted protein product. Loss-of-function variants in LZTR1 are known to be pathogenic (PMID: 24362817, 25335493, 25480913, 25795793, 29469822, 30368668, 30442762, 30442766, 30481304, 30859559). This variant is not present in population databases (gnomAD no frequency). This variant has not been reported in the literature in individuals affected with LZTR1-related conditions. For these reasons, this variant has been classified as Pathogenic.

Literature cited by the submitters: PubMed 24362817; PubMed 25335493; PubMed 25480913; PubMed 25795793; PubMed 29469822; PubMed 30368668; PubMed 30442762; PubMed 30442766; PubMed 30481304; PubMed 30859559.

NM_006767.4(LZTR1):c.1373del (p.Gly458fs)

Gene: LZTR1 (leucine zipper like post translational regulator 1; plus strand). Cytogenetic location: 22q11.21.
Variant type: Deletion.
Coding change: c.1373del on transcript NM_006767.4 (MANE Select); coding-DNA position 1373, one base deleted (G; older notation c.1373delG).
Protein change: p.Gly458fs; shifts the reading frame from glycine 458.
Molecular consequence: frameshift variant.
Genome position (GRCh38, 1-based): chr22:20,993,943, G deleted; the last of 3 consecutive G bases (chr22:20,993,941-20,993,943); deleting any one gives the same sequence. VCF-style (leftmost placement, unchanged base first): chr22-20993940-AG-A. GRCh37 (hg19) VCF-style: chr22-21348229-AG-A.
Other names: short protein forms G458fs.
Identifiers: ClinVar variation 2703849 (VCV002703849.3), dbSNP rs1924703709, ClinGen allele CA2697547689.